The following is an entry in ClinVar:

NM_015295.3(SMCHD1):c.3803C>T (p.Ser1268Phe)

Gene: SMCHD1 (structural maintenance of chromosomes flexible hinge domain containing 1; plus strand). Cytogenetic location: 18p11.32.
Variant type: single nucleotide variant.
Coding change: c.3803C>T on transcript NM_015295.3 (MANE Select); coding-DNA position 3803, C replaced by T.
Protein change: p.Ser1268Phe; replaces serine 1268 with phenylalanine.
Molecular consequence: missense variant.
Genome position (GRCh38, 1-based): chr18:2,747,523, C>T. VCF-style: chr18-2747523-C-T. GRCh37 (hg19) VCF-style: chr18-2747521-C-T.
Other names: short protein forms S1268F.
Identifiers: ClinVar variation 2724672 (VCV002724672.4), dbSNP rs747273027, ClinGen allele CA8871317.

ClinVar aggregate classification (germline): Uncertain significance. Review status: criteria provided, multiple submitters, no conflicts (2 of 4 stars). 2 submissions from 2 submitters: Uncertain significance (2). Last evaluated 2023-12-10.

Conditions:
Facioscapulohumeral muscular dystrophy 2 (FSHD2). Also called: FACIOSCAPULOHUMERAL MUSCULAR DYSTROPHY 2, DIGENIC; FSHD2, DIGENIC; MUSCULAR DYSTROPHY, FACIOSCAPULOHUMERAL, TYPE 1B. Identifiers: Orphanet 269, MedGen C1834671, MONDO:0008031, OMIM 158901.
Arrhinia with choanal atresia and microphthalmia syndrome. Also called: Arhinia, choanal atresia, and microphthalmia; Arrhinia-choanal atresia-microphthalmia syndrome; ARHINIA, CHOANAL ATRESIA, MICROPHTHALMIA, AND HYPOGONADOTROPIC HYPOGONADISM. Identifiers: Orphanet 1135, Orphanet 2250, MedGen C1863878, MONDO:0011323, OMIM 603457.

Allele frequency attached by ClinVar (database versions not stated): gnomAD exomes below 0.00001; TOPMed below 0.00001; ExAC 0.00001.
gnomAD v4.1: 4 of 1,600,286 alleles (0.00025%); highest among the groups gnomAD compares: Admixed American, 0.0017%; no homozygotes.

Submissions (2):

Labcorp Genetics (formerly Invitae), Labcorp
Classification: Uncertain significance for Facioscapulohumeral muscular dystrophy 2. Last evaluated: 2023-12-10. Review status: criteria provided, single submitter. Criteria: Invitae Variant Classification Sherloc (09022015). Collection method: clinical testing. Allele origin: germline.
Comment: This sequence change replaces serine, which is neutral and polar, with phenylalanine, which is neutral and non-polar, at codon 1268 of the SMCHD1 protein (p.Ser1268Phe). This variant is present in population databases (rs747273027, gnomAD 0.003%). This variant has not been reported in the literature in individuals affected with SMCHD1-related conditions. Algorithms developed to predict the effect of missense changes on protein structure and function output the following: SIFT: "Not Available"; PolyPhen-2: "Benign"; Align-GVGD: "Not Available". The phenylalanine amino acid residue is found in multiple mammalian species, which suggests that this missense change does not adversely affect protein function. In summary, the available evidence is currently insufficient to determine the role of this variant in disease. Therefore, it has been classified as a Variant of Uncertain Significance.

Department of Pathology and Laboratory Medicine, Sinai Health System
Classification: Uncertain significance for Facioscapulohumeral muscular dystrophy 2; Arrhinia with choanal atresia and microphthalmia syndrome. Last evaluated: 2022-07-26. Review status: criteria provided, single submitter. Criteria: ACMG Guidelines, 2015. Collection method: research. Allele origin: germline.